The following is an entry in ClinVar:

ClinVar aggregate classification (germline): Uncertain significance (1 of 4 stars; one submission).

Submission:

GeneDx
Classification: Uncertain significance. Last evaluated: 2024-09-12. Review status: criteria provided, single submitter. Criteria: GeneDx Variant Classification Process June 2021. Collection method: clinical testing. Allele origin: germline. Affected: yes.
Comment: Not observed at significant frequency in large population cohorts (gnomAD); In silico analysis indicates that this missense variant does not alter protein structure/function; Has not been previously published as pathogenic or benign to our knowledge

NM_005245.4(FAT1):c.4138A>G (p.Ile1380Val)

Genes: FAT1 (FAT atypical cadherin 1; minus strand), LOC132089107 (Neanderthal introgressed variant-containing enhancer experimental_76895; plus strand). Cytogenetic location: 4q35.2.
Variant type: single nucleotide variant.
Coding change: c.4138A>G on transcript NM_005245.4 (MANE Select); coding-DNA position 4138, A replaced by G.
Protein change: p.Ile1380Val; replaces isoleucine 1380 with valine.
Molecular consequence: missense variant.
Genome position (GRCh38, 1-based): chr4:186,636,070, T>C on the plus strand (A>G on the coding strand, the complement: FAT1 is on the minus strand). VCF-style: chr4-186636070-T-C. GRCh37 (hg19) VCF-style: chr4-187557224-T-C.
Other names: short protein forms I1380V.
Identifiers: ClinVar variation 3770043 (VCV003770043.1).